The following is an entry in ClinVar:

NM_001352754.2(ARMC9):c.2360C>T (p.Pro787Leu)

Gene: ARMC9 (armadillo repeat containing 9; plus strand). Cytogenetic location: 2q37.1.
Variant type: single nucleotide variant.
Coding change: c.2360C>T on transcript NM_001352754.2 (MANE Select); coding-DNA position 2360, C replaced by T.
Protein change: p.Pro787Leu; replaces proline 787 with leucine.
Molecular consequence: missense variant.
Genome position (GRCh38, 1-based): chr2:231,370,051, C>T. VCF-style: chr2-231370051-C-T. GRCh37 (hg19) VCF-style: chr2-232234762-C-T.
Other names: c.2360C>T, p.Pro787Leu (NM_001271466.4); short protein forms P787L.
Identifiers: ClinVar variation 1497872 (VCV001497872.6), dbSNP rs2125600554, ClinGen allele CA350959443.

ClinVar aggregate classification (germline): Uncertain significance (1 of 4 stars; one submission).

Allele frequency attached by ClinVar (database versions not stated): gnomAD exomes below 0.00001.
gnomAD v4.1: 1 of 1,535,482 alleles (0.000065%); highest among the groups gnomAD compares: East Asian, 0.0024%; no homozygotes.

Submission:

Labcorp Genetics (formerly Invitae), Labcorp
Classification: Uncertain significance. Last evaluated: 2024-11-05. Review status: criteria provided, single submitter. Criteria: Invitae Variant Classification Sherloc (09022015). Collection method: clinical testing. Allele origin: germline.
Comment: This sequence change replaces proline with leucine at codon 787 of the ARMC9 protein (p.Pro787Leu). The proline residue is moderately conserved and there is a moderate physicochemical difference between proline and leucine. This variant is not present in population databases (gnomAD no frequency). This variant has not been reported in the literature in individuals affected with ARMC9-related conditions. ClinVar contains an entry for this variant (Variation ID: 1497872). Experimental studies and prediction algorithms are not available or were not evaluated, and the functional significance of this variant is currently unknown. In summary, the available evidence is currently insufficient to determine the role of this variant in disease. Therefore, it has been classified as a Variant of Uncertain Significance.